The following is an entry in ClinVar:

ClinVar aggregate classification (germline): Uncertain significance. Review status: criteria provided, multiple submitters, no conflicts (2 of 4 stars). 2 submissions from 2 submitters: Uncertain significance (2). Last evaluated 2024-10-30.

Conditions:
Ehlers-Danlos syndrome, classic type, 1 (EDSCL1). Also called: EHLERS-DANLOS SYNDROME, GRAVIS TYPE; EHLERS-DANLOS SYNDROME, SEVERE CLASSIC TYPE; Ehlers-Danlos syndrome, type 1; Ehlers-Danlos Syndrome, Classic Type, COL5A1-Related; EDS I. Identifiers: MedGen C0268335, MONDO:0019567, OMIM 130000.

Allele frequency attached by ClinVar (database versions not stated): gnomAD exomes below 0.00001; TOPMed below 0.00001.
gnomAD v4.1: 4 of 1,613,978 alleles (0.00025%); highest among the groups gnomAD compares: Non-Finnish European, 0.00034%; no homozygotes.

Submissions (2):

GeneDx
Classification: Uncertain significance. Last evaluated: 2024-10-30. Review status: criteria provided, single submitter. Criteria: GeneDx Variant Classification Process June 2021. Collection method: clinical testing. Allele origin: germline. Affected: yes.
Comment: Has not been previously published as pathogenic or benign to our knowledge; Not observed at significant frequency in large population cohorts (gnomAD); In silico analysis indicates that this missense variant does not alter protein structure/function

Labcorp Genetics (formerly Invitae), Labcorp
Classification: Uncertain significance for Ehlers-Danlos syndrome, classic type, 1. Last evaluated: 2023-12-04. Review status: criteria provided, single submitter. Criteria: Invitae Variant Classification Sherloc (09022015). Collection method: clinical testing. Allele origin: germline.
Comment: This sequence change replaces aspartic acid, which is acidic and polar, with glutamic acid, which is acidic and polar, at codon 559 of the COL5A2 protein (p.Asp559Glu). This variant is not present in population databases (gnomAD no frequency). This variant has not been reported in the literature in individuals affected with COL5A2-related conditions. Advanced modeling of protein sequence and biophysical properties (such as structural, functional, and spatial information, amino acid conservation, physicochemical variation, residue mobility, and thermodynamic stability) performed at Invitae indicates that this missense variant is not expected to disrupt COL5A2 protein function with a negative predictive value of 80%. In summary, the available evidence is currently insufficient to determine the role of this variant in disease. Therefore, it has been classified as a Variant of Uncertain Significance.

NM_000393.5(COL5A2):c.1677T>A (p.Asp559Glu)

Gene: COL5A2 (collagen type V alpha 2 chain; minus strand). Cytogenetic location: 2q32.2.
Variant type: single nucleotide variant.
Coding change: c.1677T>A on transcript NM_000393.5 (MANE Select); coding-DNA position 1677, T replaced by A.
Protein change: p.Asp559Glu; replaces aspartic acid 559 with glutamic acid.
Molecular consequence: missense variant.
Genome position (GRCh38, 1-based): chr2:189,064,596, A>T on the plus strand (T>A on the coding strand, the complement: COL5A2 is on the minus strand). VCF-style: chr2-189064596-A-T. GRCh37 (hg19) VCF-style: chr2-189929322-A-T.
Other names: c.1677T>A (NM_000393.3); short protein forms D559E.
Identifiers: ClinVar variation 2739408 (VCV002739408.4), dbSNP rs1398449643, ClinGen allele CA349850544.
Genomic context (GRCh38, chr2:189,064,596, plus strand): 5'-AAACACTTGCTATATTCTTACCCGAGCACCTGGAAGCCCAGGTTCCCCTGGACGTCCTGG[A>T]TCCCCCTGGCTTCCTTTGGGTCCTGAAGAACCTACAGGACCCCGTTCTCCTTGAGCACCC-3'
Protein context (NP_000384.2, residues 549-569): GSSGPKGSQG[Asp559Glu]PGRPGEPGLP